The following is an entry in ClinVar:

ClinVar aggregate classification (germline): Conflicting classifications of pathogenicity. Review status: criteria provided, conflicting classifications (1 of 4 stars). 3 submissions from 3 submitters: Uncertain significance (2); Likely benign (1). Last evaluated 2025-07-25.

Conditions:
Alstrom syndrome (ALMS). Identifiers: Orphanet 64, MedGen C0268425, MONDO:0008763, OMIM 203800.
Cardiovascular phenotype. Identifiers: MedGen CN230736.

Allele frequency attached by ClinVar (database versions not stated): gnomAD exomes 0.00001; gnomAD 0.00002 and 0.00001; TOPMed 0.00002; ExAC 0.00001.
gnomAD v4.1: 26 of 1,613,286 alleles (0.0016%); highest among the groups gnomAD compares: Non-Finnish European, 0.0019%; no homozygotes.

Submissions (3):

Ambry Genetics
Classification: Likely benign for Cardiovascular phenotype. Last evaluated: 2025-07-25. Review status: criteria provided, single submitter. Criteria: Ambry Variant Classification Scheme 2023. Collection method: clinical testing. Allele origin: germline.

Labcorp Genetics (formerly Invitae), Labcorp
Classification: Uncertain significance for Alstrom syndrome. Last evaluated: 2022-08-16. Review status: criteria provided, single submitter. Criteria: Invitae Variant Classification Sherloc (09022015). Collection method: clinical testing. Allele origin: germline.
Comment: This sequence change replaces proline with serine at codon 2140 of the ALMS1 protein (p.Pro2140Ser). The proline residue is weakly conserved and there is a moderate physicochemical difference between proline and serine. This variant is present in population databases (rs772858451, gnomAD 0.002%). This variant has not been reported in the literature in individuals affected with ALMS1-related conditions. ClinVar contains an entry for this variant (Variation ID: 1310250). Algorithms developed to predict the effect of missense changes on protein structure and function output the following: SIFT: "Not Available"; PolyPhen-2: "Not Available"; Align-GVGD: "Not Available". The serine amino acid residue is found in multiple mammalian species, which suggests that this missense change does not adversely affect protein function. In summary, the available evidence is currently insufficient to determine the role of this variant in disease. Therefore, it has been classified as a Variant of Uncertain Significance.

GeneDx
Classification: Uncertain significance. Last evaluated: 2019-11-20. Review status: criteria provided, single submitter. Criteria: GeneDx Variant Classification Process June 2021. Collection method: clinical testing. Allele origin: germline. Affected: yes.
Comment: Not observed at a significant frequency in large population cohorts (Lek et al., 2016); In silico analysis, which includes protein predictors and evolutionary conservation, supports that this variant does not alter protein structure/function; Has not been previously published as pathogenic or benign to our knowledge

NM_001378454.1(ALMS1):c.6415C>T (p.Pro2139Ser)

Gene: ALMS1 (ALMS1 centrosome and basal body associated protein; plus strand). Cytogenetic location: 2p13.1.
Variant type: single nucleotide variant.
Coding change: c.6415C>T on transcript NM_001378454.1 (MANE Select); coding-DNA position 6415, C replaced by T.
Protein change: p.Pro2139Ser; replaces proline 2139 with serine.
Molecular consequence: missense variant.
Genome position (GRCh38, 1-based): chr2:73,452,942, C>T. VCF-style: chr2-73452942-C-T. GRCh37 (hg19) VCF-style: chr2-73680069-C-T.
Other names: c.6418C>T, p.Pro2140Ser (NM_015120.4); short protein forms P2139S, P2140S.
Identifiers: ClinVar variation 1310250 (VCV001310250.4), dbSNP rs772858451, ClinGen allele CA1714060.